The following is an entry in ClinVar:

ClinVar aggregate classification (germline): Uncertain significance (1 of 4 stars; one submission).

Allele frequency attached by ClinVar (database versions not stated): TOPMed below 0.00001; ExAC 0.00001; gnomAD exomes 0.00001.
gnomAD v4.1: 17 of 1,614,120 alleles (0.0011%); highest among the groups gnomAD compares: Non-Finnish European, 0.0014%; no homozygotes.

Submission:

Labcorp Genetics (formerly Invitae), Labcorp
Classification: Uncertain significance. Last evaluated: 2022-06-24. Review status: criteria provided, single submitter. Criteria: Invitae Variant Classification Sherloc (09022015). Collection method: clinical testing. Allele origin: germline.
Comment: In summary, the available evidence is currently insufficient to determine the role of this variant in disease. Therefore, it has been classified as a Variant of Uncertain Significance. This sequence change replaces valine, which is neutral and non-polar, with alanine, which is neutral and non-polar, at codon 254 of the GGCX protein (p.Val254Ala). This variant is present in population databases (rs779311385, gnomAD 0.002%). This variant has not been reported in the literature in individuals affected with GGCX-related conditions. Algorithms developed to predict the effect of missense changes on protein structure and function are either unavailable or do not agree on the potential impact of this missense change (SIFT: "Deleterious"; PolyPhen-2: "Probably Damaging"; Align-GVGD: "Class C0").

NM_000821.7(GGCX):c.761T>C (p.Val254Ala)

Gene: GGCX (gamma-glutamyl carboxylase; minus strand). Cytogenetic location: 2p11.2.
Variant type: single nucleotide variant.
Coding change: c.761T>C on transcript NM_000821.7 (MANE Select); coding-DNA position 761, T replaced by C.
Protein change: p.Val254Ala; replaces valine 254 with alanine.
Molecular consequence: missense variant.
Genome position (GRCh38, 1-based): chr2:85,554,271, A>G on the plus strand (T>C on the coding strand, the complement: GGCX is on the minus strand). VCF-style: chr2-85554271-A-G. GRCh37 (hg19) VCF-style: chr2-85781394-A-G.
Other names: c.590T>C, p.Val197Ala (NM_001142269.4); short protein forms V197A, V254A.
Identifiers: ClinVar variation 2126992 (VCV002126992.3), dbSNP rs779311385, ClinGen allele CA1742017.